The following is an entry in ClinVar:

NC_012920.1(MT-ND2):m.4728A>G

Gene: MT-ND2 (mitochondrially encoded NADH dehydrogenase 2; plus strand).
Variant type: single nucleotide variant.
Genome position: chrM-4728-A-G.
Identifiers: ClinVar variation 692490 (VCV000692490.1), dbSNP rs1556422892, ClinGen allele CA414775520.

ClinVar aggregate classification (germline): Likely benign (1 of 4 stars; one submission).

Conditions:
Leigh syndrome (NULS). Also called: Leigh's necrotizing encephalopathy; Leigh's disease; Leigh Syndrome (mtDNA deletion); Leigh Disease; Subacute necrotizing encephalopathy; Necrotizing encephalopathy infantile subacute of Leigh. Identifiers: Orphanet 506, MedGen C2931891, MONDO:0009723, OMIM 256000.

Submission:

Wong Mito Lab, Molecular and Human Genetics, Baylor College of Medicine
Classification: Likely benign for Leigh syndrome. Last evaluated: 2019-10-17. Review status: criteria provided, single submitter. Criteria: Modified ACMG Guidelines (Unpublished). Collection method: clinical testing. Allele origin: germline.
Comment: The NC_012920.1:m.4728A>G (YP_003024027.1:p.Thr87Ala) variant in MTND2 gene is interpretated to be a Likely Benign variant based on the modified ACMG guidelines (unpublished). This variant meets the following evidence codes: BP4, BP6